The following is an entry in ClinVar:

ClinVar aggregate classification (germline): Likely benign (1 of 4 stars; one submission).

Allele frequency attached by ClinVar (database versions not stated): ExAC 0.00001; gnomAD 0.00004; TOPMed 0.00005; gnomAD exomes 0.00006.
gnomAD v4.1: 87 of 1,598,108 alleles (0.0054%); highest among the groups gnomAD compares: Non-Finnish European, 0.0069%; no homozygotes.

Submission:

CeGaT Center for Human Genetics Tuebingen
Classification: Likely benign. Last evaluated: 2022-05-01. Review status: criteria provided, single submitter. Criteria: CeGaT Center For Human Genetics Tuebingen Variant Classification Criteria Version 2. Collection method: clinical testing. Allele origin: germline. Affected: yes. Observed: 1 variant allele.
Comment: PCSK4: BP4, BP7

NM_017573.5(PCSK4):c.1050G>A (p.Val350=)

Gene: PCSK4 (proprotein convertase subtilisin/kexin type 4; minus strand). Cytogenetic location: 19p13.3.
Variant type: single nucleotide variant.
Coding change: c.1050G>A on transcript NM_017573.5 (MANE Select); coding-DNA position 1050, G replaced by A.
Protein change: p.Val350=; no amino-acid change (valine 350 retained).
Molecular consequence: synonymous variant.
Genome position (GRCh38, 1-based): chr19:1,486,871, C>T on the plus strand (G>A on the coding strand, the complement: PCSK4 is on the minus strand). VCF-style: chr19-1486871-C-T. GRCh37 (hg19) VCF-style: chr19-1486870-C-T.
Other names: c.1050G>A, p.Val350= (NM_001395257.1).
Identifiers: ClinVar variation 2648937 (VCV002648937.24), dbSNP rs762126163, ClinGen allele CA9046846.
Genomic context (GRCh38, chr19:1,486,871, plus strand): 5'-CAGGGCCTGGGGAGGGGACCCTGTTGGGGCGGCTGCACTCACGATCTGGGGGTCGGTGGC[C>T]ACGCCGCTGCTGTAGGTGGTGGTGAGGGTGGAGGCGCAGGCTTCGCTGTACCAGGGCACG-3'
Protein context (NP_060043.2, residues 340-360): STLTTTYSSG[Val350=]ATDPQIVTTD